The following is an entry in ClinVar:

ClinVar aggregate classification (germline): Pathogenic. Review status: reviewed by expert panel (3 of 4 stars). 3 submissions from 3 submitters: Pathogenic (1). 2 of the submissions do not count toward it. Last evaluated 2016-10-18.

Conditions:
bilateral breast cancer. Identifiers: MedGen CN235586.
Breast-ovarian cancer, familial, susceptibility to, 2 (BROVCA2). Also called: BRCA2 Hereditary Breast and Ovarian Cancer. Identifiers: Orphanet 145, MedGen C2675520, MONDO:0012933, OMIM 612555. Disease mechanism: loss of function.

Submissions (3):

Evidence-based Network for the Interpretation of Germline Mutant Alleles (ENIGMA)
Classification: Pathogenic for Breast-ovarian cancer, familial, susceptibility to, 2. Last evaluated: 2016-10-18. Review status: reviewed by expert panel. Criteria: ENIGMA BRCA1/2 Classification Criteria (2015). Collection method: curation. Allele origin: germline.
Comment: Variant allele predicted to encode a truncated non-functional protein.

Revvity Omics, Revvity
Classification: Pathogenic. Last evaluated: 2019-05-17. Review status: criteria provided, single submitter. Criteria: ACMG Guidelines, 2015. Collection method: clinical testing. Allele origin: germline. Not counted in ClinVar's aggregate classification.

Center of Medical Genetics and Primary Health Care
Classification: Pathogenic for Bilateral breast cancer. Last evaluated: 2020-04-08. Review status: no assertion criteria provided. Collection method: research. Allele origin: germline. Affected: yes. Observed: 1 heterozygote. Not counted in ClinVar's aggregate classification.
Comment: ACMG Guidelines 2015 criteria The BRCA2 variant p.Met192Asnfs is a known pathogenic variant in exon 7 in a non-functional domain. The location of this frameshift variant is significant since it could potentially interfere with the function of almost the entire protein which is an established disease mechanism in hereditary breast and ovarian cancer (PVS1 Pathogenic Very Strong). This variant was observed in a mutation hotspot region including 18 pathogenic variants (source, ClinVar) (PM1 Pathogenic Moderate). The variant is not found in GnomAD exomes neither in GnomAD genomes (PM2 Pathogenic Moderate). 1 pathogenic prediction from GERP versus no benign prediction supports its deleterious effect (PP3 Pathogenic Supporting). The variant has been classified as pathogenic by the ClinGen-approved ENIGMA expert panel (ClinVar SCV000324374.1) (PP5 Pathogenic Supporting). Therefore, this variant was classified as a Pathogenic.

NM_000059.4(BRCA2):c.574dup (p.Met192fs)

Gene: BRCA2 (BRCA2 DNA repair associated; plus strand). Cytogenetic location: 13q13.1.
Variant type: Duplication.
Coding change: c.574dup on transcript NM_000059.4 (MANE Select); coding-DNA position 574, one base duplicated (A; older notation c.574dupA).
Protein change: p.Met192fs; shifts the reading frame from methionine 192.
Molecular consequence: frameshift variant.
Genome position (GRCh38, 1-based): chr13:32,326,556, A duplicated. VCF-style (leftmost placement, unchanged base first): chr13-32326555-T-TA. GRCh37 (hg19) VCF-style: chr13-32900692-T-TA.
Other names: 802insA; c.574dupA (NM_000059.3); short protein forms M192fs.
Identifiers: ClinVar variation 51926 (VCV000051926.15), dbSNP rs397507802, ClinGen allele CA023141.